The following is an entry in ClinVar:

ClinVar aggregate classification (germline): Benign (1 of 4 stars; one submission).

Allele frequency attached by ClinVar (database versions not stated): gnomAD 0.07823 and 0.08211; TOPMed 0.08027; 1000 Genomes Project 30x 0.11087; 1000 Genomes Project 0.11422.
gnomAD v4.1: 12,538 of 152,260 alleles (8.2%); highest among the groups gnomAD compares: East Asian, 32%; 739 homozygotes.

Submission:

GeneDx
Classification: Benign. Last evaluated: 2018-06-14. Review status: criteria provided, single submitter. Criteria: GeneDx Variant Classification (06012015). Collection method: clinical testing. Allele origin: germline. Affected: yes.
Comment: This variant is considered likely benign or benign based on one or more of the following criteria: it is a conservative change, it occurs at a poorly conserved position in the protein, it is predicted to be benign by multiple in silico algorithms, and/or has population frequency not consistent with disease.

NM_018122.5(DARS2):c.227+245A>G

Gene: DARS2 (aspartyl-tRNA synthetase 2, mitochondrial; plus strand). Cytogenetic location: 1q25.1.
Variant type: single nucleotide variant.
Coding change: c.227+245A>G on transcript NM_018122.5 (MANE Select); 245 bases into the intron after coding-DNA position 227, A replaced by G.
Molecular consequence: intron variant.
Genome position (GRCh38, 1-based): chr1:173,827,031, A>G. VCF-style: chr1-173827031-A-G. GRCh37 (hg19) VCF-style: chr1-173796169-A-G.
Other names: c.227+245A>G (NM_001365212.1, NM_001365213.2).
Identifiers: ClinVar variation 683695 (VCV000683695.1), dbSNP rs2068871, ClinGen allele CA10851026.